The following is an entry in ClinVar:

ClinVar aggregate classification (germline): Benign. Review status: criteria provided, multiple submitters, no conflicts (2 of 4 stars). 8 submissions from 8 submitters: Benign (7). 1 of the submissions does not count toward it. Last evaluated 2026-04-14.

Conditions:
Familial intrahepatic cholestasis. Identifiers: Orphanet 284385, MedGen CN296401, MONDO:0017290.
Progressive familial intrahepatic cholestasis type 2. Identifiers: Orphanet 79304, MedGen C3489789, MONDO:0011156, OMIM 601847.

Allele frequency attached by ClinVar (database versions not stated): gnomAD exomes 0.00411; ExAC 0.00532; gnomAD 0.01590; TOPMed 0.01801; ESP Exome Variant Server 0.01816; 1000 Genomes Project 0.02077; 1000 Genomes Project 30x 0.02233.
gnomAD v4.1: 4,652 of 1,578,554 alleles (0.29%); highest among the groups gnomAD compares: African/African-American, 5.5%; 127 homozygotes.

Submissions (8):

Genomenon, Inc
Classification: Benign for Familial intrahepatic cholestasis. Last evaluated: 2026-04-14. Review status: criteria provided, single submitter. Criteria: Genomenon Sequence Variant Interpretation Standards - Updated. Collection method: curation. Allele origin: germline. Affected: no.
Comment: ABCB11 c.1185G>A is a synonymous variant that retains Glutamic acid at residue 395. This variant is present at high allele frequency in population databases. In conclusion, we classify ABCB11 p.Glu395= (c.1185G>A) as a benign variant.

Labcorp Genetics (formerly Invitae), Labcorp
Classification: Benign. Last evaluated: 2026-01-28. Review status: criteria provided, single submitter. Criteria: Invitae Variant Classification Sherloc (09022015). Collection method: clinical testing. Allele origin: germline.

Mayo Clinic Laboratories, Mayo Clinic
Classification: Benign. Last evaluated: 2022-04-08. Review status: criteria provided, single submitter. Criteria: ACMG Guidelines, 2015. Collection method: clinical testing. Allele origin: germline. Observed: 20 variant alleles.

Illumina Laboratory Services, Illumina
Classification: Benign for Progressive familial intrahepatic cholestasis type 2. Last evaluated: 2018-01-13. Review status: criteria provided, single submitter. Criteria: ICSL Variant Classification Criteria 13 December 2019. Collection method: clinical testing. Allele origin: germline.
Comment: This variant was observed in the ICSL laboratory as part of a predisposition screen in an ostensibly healthy population. It had not been previously curated by ICSL or reported in the Human Gene Mutation Database (HGMD: prior to June 1st, 2018), and was therefore a candidate for classification through an automated scoring system. Utilizing variant allele frequency, disease prevalence and penetrance estimates, and inheritance mode, an automated score was calculated to assess if this variant is too frequent to cause the disease. Based on the score and internal cut-off values, a variant classified as benign is not then subjected to further curation. The score for this variant resulted in a classification of benign for this disease.

GeneDx
Classification: Benign. Last evaluated: 2016-03-01. Review status: criteria provided, single submitter. Criteria: GeneDx Variant Classification (06012015). Collection method: clinical testing. Allele origin: germline. Affected: yes.
Comment: This variant is considered likely benign or benign based on one or more of the following criteria: it is a conservative change, it occurs at a poorly conserved position in the protein, it is predicted to be benign by multiple in silico algorithms, and/or has population frequency not consistent with disease.

Breakthrough Genomics
Classification: Benign. Review status: criteria provided, single submitter. Criteria: ACMG Guidelines, 2015. Collection method: not provided. Allele origin: germline. Inheritance: Autosomal recessive inheritance. Affected: yes.

PreventionGenetics, part of Exact Sciences
Classification: Benign. Review status: criteria provided, single submitter. Criteria: ACMG Guidelines, 2015. Collection method: clinical testing. Allele origin: germline.

Natera, Inc.
Classification: Benign for Progressive familial intrahepatic cholestasis type 2. Last evaluated: 2020-09-16. Review status: no assertion criteria provided. Collection method: clinical testing. Allele origin: germline. Not counted in ClinVar's aggregate classification.

NM_003742.4(ABCB11):c.1185G>A (p.Glu395=)

Gene: ABCB11 (ATP binding cassette subfamily B member 11; minus strand). Cytogenetic location: 2q31.1.
Variant type: single nucleotide variant.
Coding change: c.1185G>A on transcript NM_003742.4 (MANE Select); coding-DNA position 1185, G replaced by A.
Protein change: p.Glu395=; no amino-acid change (glutamic acid 395 retained).
Molecular consequence: synonymous variant.
Genome position (GRCh38, 1-based): chr2:168,979,878, C>T on the plus strand (G>A on the coding strand, the complement: ABCB11 is on the minus strand). VCF-style: chr2-168979878-C-T. GRCh37 (hg19) VCF-style: chr2-169836388-C-T.
Other names: p.Glu395=; c.1185G>A, p.Glu395= (LRG_1199t1).
Identifiers: ClinVar variation 259144 (VCV000259144.20), dbSNP rs57509552, ClinGen allele CA1951673.